The following is an entry in ClinVar:

NM_024598.4(USB1):c.226C>T (p.His76Tyr)

Gene: USB1 (U6 snRNA biogenesis phosphodiesterase 1; plus strand). Cytogenetic location: 16q21.
Variant type: single nucleotide variant.
Coding change: c.226C>T on transcript NM_024598.4 (MANE Select); coding-DNA position 226, C replaced by T.
Protein change: p.His76Tyr; replaces histidine 76 with tyrosine.
Molecular consequence: missense variant.
Genome position (GRCh38, 1-based): chr16:58,002,606, C>T. VCF-style: chr16-58002606-C-T. GRCh37 (hg19) VCF-style: chr16-58036510-C-T.
Other names: c.226C>T, p.His76Tyr (NM_001195302.2, NM_001204911.2, NM_001330569.2); c.73C>T, p.His25Tyr (NM_001330568.2); short protein forms H25Y, H76Y.
Identifiers: ClinVar variation 4866349 (VCV004866349.1).

ClinVar aggregate classification (germline): Uncertain significance (1 of 4 stars; one submission).

Conditions:
Inborn genetic diseases. Identifiers: MedGen C0950123, MeSH D030342.

Submission:

Ambry Genetics
Classification: Uncertain significance for Inborn genetic diseases. Last evaluated: 2026-04-12. Review status: criteria provided, single submitter. Criteria: Ambry Variant Classification Scheme 2023. Collection method: clinical testing. Allele origin: germline.
Comment: The p.H76Y variant (also known as c.226C>T), located in coding exon 2 of the USB1 gene, results from a C to T substitution at nucleotide position 226. The histidine at codon 76 is replaced by tyrosine, an amino acid with similar properties. This amino acid position is conserved. In addition, this alteration is predicted to be deleterious by in silico analysis. Based on the available evidence, the clinical significance of this variant remains unclear.